The following is an entry in ClinVar:

ClinVar aggregate classification (germline): Uncertain significance (1 of 4 stars; one submission).

gnomAD v4.1: 1 of 1,605,856 alleles (0.000062%); no homozygotes.

Submission:

Labcorp Genetics (formerly Invitae), Labcorp
Classification: Uncertain significance. Last evaluated: 2022-03-16. Review status: criteria provided, single submitter. Criteria: Invitae Variant Classification Sherloc (09022015). Collection method: clinical testing. Allele origin: germline.
Comment: In summary, the available evidence is currently insufficient to determine the role of this variant in disease. Therefore, it has been classified as a Variant of Uncertain Significance. Algorithms developed to predict the effect of missense changes on protein structure and function are either unavailable or do not agree on the potential impact of this missense change (SIFT: "Tolerated"; PolyPhen-2: "Possibly Damaging"; Align-GVGD: "Class C0"). This variant has not been reported in the literature in individuals affected with CD46-related conditions. This variant is not present in population databases (gnomAD no frequency). This sequence change replaces tyrosine, which is neutral and polar, with asparagine, which is neutral and polar, at codon 321 of the CD46 protein (p.Tyr321Asn).

NM_172351.3(CD46):c.916T>A (p.Tyr306Asn)

Gene: CD46 (CD46 molecule; plus strand). Cytogenetic location: 1q32.2.
Variant type: single nucleotide variant.
Coding change: c.916T>A on transcript NM_172351.3 (MANE Select); coding-DNA position 916, T replaced by A.
Protein change: p.Tyr306Asn; replaces tyrosine 306 with asparagine.
Molecular consequence: missense variant. On other transcripts: intron variant (4).
Genome position (GRCh38, 1-based): chr1:207,770,335, T>A. VCF-style: chr1-207770335-T-A. GRCh37 (hg19) VCF-style: chr1-207943680-T-A.
Other names: c.961T>A, p.Tyr321Asn (NM_002389.4, NM_172359.3); c.916T>A, p.Tyr306Asn (NM_153826.4, NM_172358.3); c.871T>A, p.Tyr291Asn (NM_172350.3, NM_172352.3, NM_172353.3); c.901+2512T>A (NM_172355.3, NM_172356.3); c.856+3140T>A (NM_172357.3, NM_172361.3); short protein forms Y291N, Y306N, Y321N.
Identifiers: ClinVar variation 2113085 (VCV002113085.4), dbSNP rs2526572849, ClinGen allele CA344551612.
Genomic context (GRCh38, chr1:207,770,335, plus strand): 5'-TTGATAAGGCCCTGGTGAATTTATAAAATCAAACTTATTTTTCTAGGTCCTAGGCCTACT[T>A]ACAAGCCTCCAGTCTCAAATTATCCAGGTTGGTTAACTCTTTATCCTACTGATATTGTTA-3'
Protein context (NP_758861.1, residues 296-316): ASSASGPRPT[Tyr306Asn]KPPVSNYPGY